The following is an entry in ClinVar:

NM_001365276.2(TNXB):c.437A>G (p.His146Arg)

Gene: TNXB (tenascin XB; minus strand). Cytogenetic location: 6p21.33.
Variant type: single nucleotide variant.
Coding change: c.437A>G on transcript NM_001365276.2 (MANE Select); coding-DNA position 437, A replaced by G.
Protein change: p.His146Arg; replaces histidine 146 with arginine.
Molecular consequence: missense variant.
Genome position (GRCh38, 1-based): chr6:32,097,416, T>C on the plus strand (A>G on the coding strand, the complement: TNXB is on the minus strand). VCF-style: chr6-32097416-T-C. GRCh37 (hg19) VCF-style: chr6-32065193-T-C.
Other names: c.437A>G, p.His146Arg (NM_019105.8); short protein forms H146R.
Identifiers: ClinVar variation 1740134 (VCV001740134.3), dbSNP rs777196064, ClinGen allele CA3735846.

ClinVar aggregate classification (germline): Uncertain significance. Review status: criteria provided, multiple submitters, no conflicts (2 of 4 stars). 2 submissions from 2 submitters: Uncertain significance (2). Last evaluated 2026-02-23.

Conditions:
Cardiovascular phenotype. Identifiers: MedGen CN230736.

Allele frequency attached by ClinVar (database versions not stated): gnomAD 0.00001; gnomAD exomes 0.00002; TOPMed 0.00002; ExAC 0.00003.

Submissions (2):

GeneDx
Classification: Uncertain significance. Last evaluated: 2026-02-23. Review status: criteria provided, single submitter. Criteria: GeneDx Variant Classification Process June 2021. Collection method: clinical testing. Allele origin: germline.
Comment: In silico analysis supports that this missense variant has a deleterious effect on protein structure/function; Has not been previously published as pathogenic or benign to our knowledge

Ambry Genetics
Classification: Uncertain significance for Cardiovascular phenotype. Last evaluated: 2022-06-17. Review status: criteria provided, single submitter. Criteria: Ambry Variant Classification Scheme 2023. Collection method: clinical testing. Allele origin: germline.